The following is an entry in ClinVar:

ClinVar aggregate classification (germline): Uncertain significance (1 of 4 stars; one submission).

Conditions:
Inborn genetic diseases. Identifiers: MedGen C0950123, MeSH D030342.

gnomAD v4.1: 4 of 1,613,500 alleles (0.00025%); highest among the groups gnomAD compares: South Asian, 0.0022%; no homozygotes.

Submission:

Ambry Genetics
Classification: Uncertain significance for Inborn genetic diseases. Last evaluated: 2025-10-22. Review status: criteria provided, single submitter. Criteria: Ambry Variant Classification Scheme 2023. Collection method: clinical testing. Allele origin: germline.
Comment: The c.6775G>A (p.E2259K) alteration is located in exon 41 (coding exon 41) of the RYR1 gene. This alteration results from a G to A substitution at nucleotide position 6775, causing the glutamic acid (E) at amino acid position 2259 to be replaced by a lysine (K). Based on data from gnomAD, the A allele has an overall frequency of <0.001% (1/250792) total alleles studied. The highest observed frequency was 0.003% (1/30610) of South Asian alleles. Based on insufficient or conflicting evidence, the clinical significance of this alteration remains unclear.

NM_000540.3(RYR1):c.6775G>A (p.Glu2259Lys)

Gene: RYR1 (ryanodine receptor 1; plus strand). Cytogenetic location: 19q13.2.
Variant type: single nucleotide variant.
Coding change: c.6775G>A on transcript NM_000540.3 (MANE Select); coding-DNA position 6775, G replaced by A.
Protein change: p.Glu2259Lys; replaces glutamic acid 2259 with lysine.
Molecular consequence: missense variant.
Genome position (GRCh38, 1-based): chr19:38,496,520, G>A. VCF-style: chr19-38496520-G-A. GRCh37 (hg19) VCF-style: chr19-38987160-G-A.
Other names: c.6775G>A, p.Glu2259Lys (NM_001042723.2); short protein forms E2259K.
Identifiers: ClinVar variation 4629739 (VCV004629739.1).